The following is an entry in ClinVar:

ClinVar aggregate classification (germline): Uncertain significance. Review status: criteria provided, multiple submitters, no conflicts (2 of 4 stars). 2 submissions from 2 submitters: Uncertain significance (2). Last evaluated 2025-08-03.

Conditions:
Hereditary pancreatitis (PCTT). Also called: Hereditary chronic pancreatitis; PRSS1-Related Hereditary Pancreatitis. Identifiers: Orphanet 676, MedGen C0238339, MONDO:0008185, OMIM 167800.

Submissions (2):

Ambry Genetics
Classification: Uncertain significance for Hereditary pancreatitis. Last evaluated: 2025-08-03. Review status: criteria provided, single submitter. Criteria: Ambry Variant Classification Scheme 2023. Collection method: clinical testing. Allele origin: germline.
Comment: The p.G50V variant (also known as c.149G>T), located in coding exon 2 of the PRSS1 gene, results from a G to T substitution at nucleotide position 149. The glycine at codon 50 is replaced by valine, an amino acid with dissimilar properties. This amino acid position is conserved. In addition, this alteration is predicted to be deleterious by in silico analysis. Based on the available evidence, the clinical significance of this variant remains unclear.

GeneDx
Classification: Uncertain significance. Last evaluated: 2023-04-14. Review status: criteria provided, single submitter. Criteria: GeneDx Variant Classification Process June 2021. Collection method: clinical testing. Allele origin: germline. Affected: yes.
Comment: Not observed at significant frequency in large population cohorts (gnomAD); In silico analysis supports that this missense variant has a deleterious effect on protein structure/function; Has not been previously published as pathogenic or benign to our knowledge

NM_002769.5(PRSS1):c.149G>T (p.Gly50Val)

Genes: PRSS1 (serine protease 1; plus strand), TRB (T cell receptor beta locus; plus strand). Cytogenetic location: 7q34.
Variant type: single nucleotide variant.
Coding change: c.149G>T on transcript NM_002769.5 (MANE Select); coding-DNA position 149, G replaced by T.
Protein change: p.Gly50Val; replaces glycine 50 with valine.
Molecular consequence: missense variant. On other transcripts: non-coding transcript variant (4).
Genome position (GRCh38, 1-based): chr7:142,750,663, G>T. VCF-style: chr7-142750663-G-T. GRCh37 (hg19) VCF-style: chr7-142458514-G-T.
Other names: short protein forms G50V.
Identifiers: ClinVar variation 2663057 (VCV002663057.2), dbSNP rs1166804108, ClinGen allele CA369607407.